The following is an entry in ClinVar:

NM_001008537.3(NEXMIF):c.1656G>T (p.Lys552Asn)

Gene: NEXMIF (neurite extension and migration factor; minus strand). Cytogenetic location: Xq13.3.
Variant type: single nucleotide variant.
Coding change: c.1656G>T on transcript NM_001008537.3 (MANE Select); coding-DNA position 1656, G replaced by T.
Protein change: p.Lys552Asn; replaces lysine 552 with asparagine.
Molecular consequence: missense variant.
Genome position (GRCh38, 1-based): chrX:74,742,901, C>A on the plus strand (G>T on the coding strand, the complement: NEXMIF is on the minus strand). VCF-style: chrX-74742901-C-A. GRCh37 (hg19) VCF-style: chrX-73962736-C-A.
Other names: short protein forms K552N.
Identifiers: ClinVar variation 864091 (VCV000864091.11), dbSNP rs2080112022, ClinGen allele CA413669999.
Genomic context (GRCh38, chrX:74,742,901, plus strand): 5'-CTCACTCAAATTCACTGTTGTCTCACTGGCATCCACCTTACCCAACTTCACCAGCATGTT[C>A]TTCTCACCTTTAAAGCGATTAATGATGATATATTTGATAATAACAGGGGGCTCCTTACGG-3'
Protein context (NP_001008537.1, residues 542-562): YIIINRFKGE[Lys552Asn]NMLVKLGKVD

ClinVar aggregate classification (germline): Uncertain significance (1 of 4 stars; one submission).

Submission:

Labcorp Genetics (formerly Invitae), Labcorp
Classification: Uncertain significance. Last evaluated: 2022-02-03. Review status: criteria provided, single submitter. Criteria: Invitae Variant Classification Sherloc (09022015). Collection method: clinical testing. Allele origin: germline.
Comment: This variant is not present in population databases (gnomAD no frequency). In summary, the available evidence is currently insufficient to determine the role of this variant in disease. Therefore, it has been classified as a Variant of Uncertain Significance. Algorithms developed to predict the effect of missense changes on protein structure and function (SIFT, PolyPhen-2, Align-GVGD) all suggest that this variant is likely to be disruptive. ClinVar contains an entry for this variant (Variation ID: 864091). This variant has not been reported in the literature in individuals affected with NEXMIF-related conditions. This sequence change replaces lysine, which is basic and polar, with asparagine, which is neutral and polar, at codon 552 of the NEXMIF protein (p.Lys552Asn).